The following is an entry in ClinVar:

ClinVar aggregate classification (germline): Uncertain significance (1 of 4 stars; one submission).

Allele frequency attached by ClinVar (database versions not stated): TOPMed below 0.00001.

Submission:

Labcorp Genetics (formerly Invitae), Labcorp
Classification: Uncertain significance. Last evaluated: 2025-08-11. Review status: criteria provided, single submitter. Criteria: Invitae Variant Classification Sherloc (09022015). Collection method: clinical testing. Allele origin: germline.
Comment: This sequence change replaces alanine, which is neutral and non-polar, with valine, which is neutral and non-polar, at codon 636 of the ADAMTSL4 protein (p.Ala636Val). This variant is not present in population databases (gnomAD no frequency). This variant has not been reported in the literature in individuals affected with ADAMTSL4-related conditions. ClinVar contains an entry for this variant (Variation ID: 2019561). Invitae Evidence Modeling of protein sequence and biophysical properties (such as structural, functional, and spatial information, amino acid conservation, physicochemical variation, residue mobility, and thermodynamic stability) indicates that this missense variant is not expected to disrupt ADAMTSL4 protein function with a negative predictive value of 80%. In summary, the available evidence is currently insufficient to determine the role of this variant in disease. Therefore, it has been classified as a Variant of Uncertain Significance.

NM_019032.6(ADAMTSL4):c.1907C>T (p.Ala636Val)

Genes: ADAMTSL4 (ADAMTS like 4; plus strand), ADAMTSL4-AS2 (ADAMTSL4 antisense RNA 2; minus strand). Cytogenetic location: 1q21.2.
Variant type: single nucleotide variant.
Coding change: c.1907C>T on transcript NM_019032.6 (MANE Select); coding-DNA position 1907, C replaced by T.
Protein change: p.Ala636Val; replaces alanine 636 with valine.
Molecular consequence: missense variant. On other transcripts: intron variant (1).
Genome position (GRCh38, 1-based): chr1:150,557,195, C>T. VCF-style: chr1-150557195-C-T. GRCh37 (hg19) VCF-style: chr1-150529671-C-T.
Other names: c.1976C>T, p.Ala659Val (NM_001288608.2); c.1907C>T, p.Ala636Val (NM_001378596.1, NM_025008.5); c.1857-67C>T (NM_001288607.2); short protein forms A636V, A659V.
Identifiers: ClinVar variation 2019561 (VCV002019561.4), dbSNP rs917633569, ClinGen allele CA30071316.